The following is an entry in ClinVar:

NC_012920.1(MT-ND2):m.5127A>G

Gene: MT-ND2 (mitochondrially encoded NADH dehydrogenase 2; plus strand).
Variant type: single nucleotide variant.
Genome position: chrM-5127-A-G.
Identifiers: ClinVar variation 692547 (VCV000692547.1), dbSNP rs1603219795, ClinGen allele CA414778986.
Genomic context (GRCh38, chrMT:5,127, plus strand): 5'-ATAACCATTCTTAATTTAACTATTTATATTATCCTAACTACTACCGCATTCCTACTACTC[A>G]ACTTAAACTCCAGCACCACGACCCTACTACTATCTCGCACCTGAAACAAGCTAACATGAC-3'

ClinVar aggregate classification (germline): Likely benign (1 of 4 stars; one submission).

Conditions:
Leigh syndrome (NULS). Also called: Leigh's necrotizing encephalopathy; Leigh's disease; Leigh Syndrome (mtDNA deletion); Leigh Disease; Subacute necrotizing encephalopathy; Necrotizing encephalopathy infantile subacute of Leigh. Identifiers: Orphanet 506, MedGen C2931891, MONDO:0009723, OMIM 256000.

Submission:

Wong Mito Lab, Molecular and Human Genetics, Baylor College of Medicine
Classification: Likely benign for Leigh syndrome. Last evaluated: 2019-10-17. Review status: criteria provided, single submitter. Criteria: Modified ACMG Guidelines (Unpublished). Collection method: clinical testing. Allele origin: germline.
Comment: The NC_012920.1:m.5127A>G (YP_003024027.1:p.Asn220Asp) variant in MTND2 gene is interpretated to be a Likely Benign variant based on the modified ACMG guidelines (unpublished). This variant meets the following evidence codes: BP4, BP6